The following is an entry in ClinVar:

ClinVar aggregate classification (germline): Uncertain significance (1 of 4 stars; one submission).

Conditions:
Hyperphosphatasia with intellectual disability syndrome 5 (GPIBD11). Also called: GLYCOSYLPHOSPHATIDYLINOSITOL BIOSYNTHESIS DEFECT 11. Identifiers: Orphanet 247262, MedGen C4014958, MONDO:0014457, OMIM 616025.

Submission:

Labcorp Genetics (formerly Invitae), Labcorp
Classification: Uncertain significance for Hyperphosphatasia with intellectual disability syndrome 5. Last evaluated: 2024-03-14. Review status: criteria provided, single submitter. Criteria: Invitae Variant Classification Sherloc (09022015). Collection method: clinical testing. Allele origin: germline.
Comment: This sequence change creates a premature translational stop signal (p.Met484Valfs*15) in the PIGW gene. While this is not anticipated to result in nonsense mediated decay, it is expected to disrupt the last 21 amino acid(s) of the PIGW protein. This variant is present in population databases (rs768711087, gnomAD 0.0009%). This variant has not been reported in the literature in individuals affected with PIGW-related conditions. In summary, the available evidence is currently insufficient to determine the role of this variant in disease. Therefore, it has been classified as a Variant of Uncertain Significance.

NM_001346754.2(PIGW):c.1450_1451del (p.Met484fs)

Genes: MYO19 (myosin XIX; minus strand), PIGW (phosphatidylinositol glycan anchor biosynthesis class W; plus strand). Cytogenetic location: 17q12.
Variant type: Microsatellite.
Coding change: c.1450_1451del on transcript NM_001346754.2 (MANE Select); coding-DNA positions 1450 to 1451, 2 bases deleted (AT; older notation c.1450_1451delAT).
Protein change: p.Met484fs; shifts the reading frame from methionine 484.
Molecular consequence: frameshift variant.
Genome position (GRCh38, 1-based): chr17:36,538,551-36,538,552, AT deleted; deleting any 2 consecutive bases within chr17:36,538,548-36,538,552 gives the same sequence; the c. name uses the placement nearest the transcript's 3' end. VCF-style (leftmost placement, unchanged base first): chr17-36538547-CTA-C. GRCh37 (hg19) VCF-style: chr17-34894396-CTA-C.
Other names: c.1450_1451del, p.Met484fs (NM_001346755.2, NM_178517.5); short protein forms M484fs.
Identifiers: ClinVar variation 1347503 (VCV001347503.5), dbSNP rs768711087, ClinGen allele CA290116873.